The following is an entry in ClinVar:

ClinVar aggregate classification (germline): Benign/Likely benign. Review status: criteria provided, multiple submitters, no conflicts (2 of 4 stars). 3 submissions from 3 submitters: Benign (1); Likely benign (1). 1 of the submissions does not count toward it. Last evaluated 2024-03-16.

Conditions:
DYRK1B-related disorder. Also called: DYRK1B-related condition.

Allele frequency attached by ClinVar (database versions not stated): gnomAD exomes 0.00004 and 0.00008; ExAC 0.00008; gnomAD 0.00027 and 0.00029; ESP Exome Variant Server 0.00038; TOPMed 0.00038; 1000 Genomes Project 0.00100; 1000 Genomes Project 30x 0.00109.
gnomAD v4.1: 112 of 1,614,098 alleles (0.0069%); highest among the groups gnomAD compares: African/African-American, 0.12%; no homozygotes.

Submissions (3):

Labcorp Genetics (formerly Invitae), Labcorp
Classification: Benign. Last evaluated: 2024-03-16. Review status: criteria provided, single submitter. Criteria: Invitae Variant Classification Sherloc (09022015). Collection method: clinical testing. Allele origin: germline.

Genetic Services Laboratory, University of Chicago
Classification: Likely benign. Last evaluated: 2016-12-18. Review status: criteria provided, single submitter. Criteria: ACMG Guidelines, 2015. Collection method: clinical testing. Allele origin: germline. Affected: no.

PreventionGenetics, part of Exact Sciences
Classification: Likely benign for DYRK1B-related condition. Last evaluated: 2021-06-17. Review status: no assertion criteria provided. Collection method: clinical testing. Allele origin: germline. Not counted in ClinVar's aggregate classification.
Comment: This variant is classified as likely benign based on ACMG/AMP sequence variant interpretation guidelines (Richards et al. 2015 PMID: 25741868, with internal and published modifications).

NM_004714.3(DYRK1B):c.870C>T (p.Tyr290=)

Gene: DYRK1B (dual specificity tyrosine phosphorylation regulated kinase 1B; minus strand). Cytogenetic location: 19q13.2.
Variant type: single nucleotide variant.
Coding change: c.870C>T on transcript NM_004714.3 (MANE Select); coding-DNA position 870, C replaced by T.
Protein change: p.Tyr290=; no amino-acid change (tyrosine 290 retained).
Molecular consequence: synonymous variant.
Genome position (GRCh38, 1-based): chr19:39,827,594, G>A on the plus strand (C>T on the coding strand, the complement: DYRK1B is on the minus strand). VCF-style: chr19-39827594-G-A. GRCh37 (hg19) VCF-style: chr19-40318234-G-A.
Other names: c.870C>T, p.Tyr290= (NM_006483.3, NM_006484.3); c.870C>T (NM_004714.2).
Identifiers: ClinVar variation 435017 (VCV000435017.10), dbSNP rs78838108, ClinGen allele CA9434183.